The following is an entry in ClinVar:

NM_000465.4(BARD1):c.1396-22_1396-19del

Gene: BARD1 (BRCA1 associated RING domain 1; minus strand). Cytogenetic location: 2q35.
Variant type: Deletion.
Coding change: c.1396-22_1396-19del on transcript NM_000465.4 (MANE Select); 22 bases into the intron before coding-DNA position 1396 through 19 bases into the intron before coding-DNA position 1396, 4 bases deleted (CTTT; older notation c.1396-22_1396-19delCTTT).
Molecular consequence: intron variant.
Genome position (GRCh38, 1-based): chr2:214,767,673-214,767,676, AAAG deleted on the plus strand (CTTT on the coding strand, the reverse complement: BARD1 is on the minus strand); deleting any 4 consecutive bases within chr2:214,767,673-214,767,678 gives the same sequence; the c. name uses the placement nearest the transcript's 3' end. VCF-style (leftmost placement, unchanged base first): chr2-214767672-AAAAG-A. GRCh37 (hg19) VCF-style: chr2-215632396-AAAAG-A.
Other names: c.159-15121_159-15118del (NM_001282548.2); c.1339-22_1339-19del (NM_001282543.2); c.216-15121_216-15118del (NM_001282545.2); c.364+24621_364+24624del (NM_001282549.2); c.1396-22_1396-19delCTTT (NM_000465.2, NM_000465.3).
Identifiers: ClinVar variation 421250 (VCV000421250.14), dbSNP rs765080315, ClinGen allele CA2090255.

ClinVar aggregate classification (germline): Conflicting classifications of pathogenicity. Review status: criteria provided, conflicting classifications (1 of 4 stars). 4 submissions from 4 submitters: Uncertain significance (1); Benign (1); Likely benign (2). Last evaluated 2025-10-13.

Conditions:
Hereditary cancer-predisposing syndrome. Also called: Hereditary neoplastic syndrome; Tumor predisposition; Neoplastic Syndromes, Hereditary; Hereditary Cancer Syndrome. Identifiers: Orphanet 140162, MedGen C0027672, MeSH D009386, MONDO:0015356.
Familial cancer of breast. Also called: Hereditary breast cancer; BREAST CANCER, FAMILIAL; hereditary breast carcinoma. Identifiers: Orphanet 227535, MedGen C0346153, MONDO:0016419, OMIM 114480. Disease mechanism: loss of function.

Submissions (4):

Labcorp Genetics (formerly Invitae), Labcorp
Classification: Likely benign for Familial cancer of breast. Last evaluated: 2025-10-13. Review status: criteria provided, single submitter. Criteria: Invitae Variant Classification Sherloc (09022015). Collection method: clinical testing. Allele origin: germline.

Myriad Genetics, Inc.
Classification: Benign for Familial cancer of breast. Last evaluated: 2024-07-25. Review status: criteria provided, single submitter. Criteria: Myriad Autosomal Dominant, Autosomal Recessive and X-Linked Classification Criteria (2023). Collection method: clinical testing. Allele origin: unknown.
Comment: This variant is considered benign. This variant is intronic and is not expected to impact mRNA splicing.

Color Diagnostics, LLC DBA Color Health
Classification: Likely benign for Hereditary cancer-predisposing syndrome. Last evaluated: 2016-09-23. Review status: criteria provided, single submitter. Criteria: ACMG Guidelines, 2015. Collection method: clinical testing. Allele origin: germline.

GeneDx
Classification: Uncertain significance. Last evaluated: 2016-05-20. Review status: criteria provided, single submitter. Criteria: GeneDx Variant Classification (06012015). Collection method: clinical testing. Allele origin: germline. Affected: yes.
Comment: This variant is denoted BARD1 c.1396-22_1396-19delCTTT or IVS5-22_IVS5-19delCTTT and consists of a deletion of five nucleotides at the -22 to -19 position in intron 5 of the BARD1 gene. One in silico model predicts this variant to destroy the nearby natural splice acceptor site and to possibly cause abnormal gene splicing; however two others do not predict the natural splice acceptor site, and in the absence of RNA or functional studies, the actual effect of this variant is unknown. This variant has not, to our knowledge, been published in the literature as pathogenic or benign. BARD1 c.1396-22_1396-19delCTTT was not observed in approximately 6,500 individuals of European and African American ancestry in the NHLBI Exome Sequencing Project, suggesting it is not a common benign variant in these populations. The nucleotides that are deleted are not conserved. Based on currently available information, it is unclear whether BARD1 c.1396-22_1396-19delCTTT is pathogenic or benign. We consider it to be a variant of uncertain significance.